The following is an entry in ClinVar:

ClinVar aggregate classification (germline): Uncertain significance (1 of 4 stars; one submission).

Conditions:
DNMT3A-related disorder. Also called: DNMT3A-related disorders; DNMT3A-related condition.

gnomAD v4.1: 20 of 1,614,198 alleles (0.0012%); highest among the groups gnomAD compares: Admixed American, 0.0033%; no homozygotes.

Submission:

PreventionGenetics, part of Exact Sciences
Classification: Uncertain significance for DNMT3A-related condition. Last evaluated: 2025-02-05. Review status: criteria provided, single submitter. Criteria: ACMG Guidelines, 2015. Collection method: clinical testing. Allele origin: germline.
Comment: The DNMT3A c.47G>A variant is predicted to result in the amino acid substitution p.Arg16His. To our knowledge, this variant has not been reported in the literature. This variant is reported in 0.0054% of alleles in individuals of European (non-Finnish) descent in gnomAD. At this time, the clinical significance of this variant is uncertain due to the absence of conclusive functional and genetic evidence.

NM_022552.5(DNMT3A):c.640-1430G>A

Gene: DNMT3A (DNA methyltransferase 3 alpha; minus strand). Cytogenetic location: 2p23.3.
Variant type: single nucleotide variant.
Coding change: c.640-1430G>A on transcript NM_022552.5 (MANE Select); 1430 bases into the intron before coding-DNA position 640, G replaced by A.
Molecular consequence: intron variant. On other transcripts: missense variant (1).
Genome position (GRCh38, 1-based): chr2:25,249,682, C>T on the plus strand (G>A on the coding strand, the complement: DNMT3A is on the minus strand). VCF-style: chr2-25249682-C-T. GRCh37 (hg19) VCF-style: chr2-25472551-C-T.
Other names: c.47G>A, p.Arg16His (NM_153759.3); c.640-1430G>A (NM_175629.2); c.184-1430G>A (NM_001320893.1); c.-30-1430G>A (NM_001375819.1); short protein forms R16H.
Identifiers: ClinVar variation 4978290 (VCV004978290.1).